The following is an entry in ClinVar:

NM_000245.4(MET):c.2662C>T (p.His888Tyr)

Gene: MET (MET proto-oncogene, receptor tyrosine kinase; plus strand). Cytogenetic location: 7q31.2.
Variant type: single nucleotide variant.
Coding change: c.2662C>T on transcript NM_000245.4 (MANE Select); coding-DNA position 2662, C replaced by T.
Protein change: p.His888Tyr; replaces histidine 888 with tyrosine.
Molecular consequence: missense variant.
Genome position (GRCh38, 1-based): chr7:116,769,723, C>T. VCF-style: chr7-116769723-C-T. GRCh37 (hg19) VCF-style: chr7-116409777-C-T.
Other names: c.2716C>T, p.His906Tyr (NM_001127500.3); c.2662C>T, p.His888Tyr (NM_001324401.3); c.1372C>T, p.His458Tyr (NM_001324402.2); c.2716C>T (NM_001127500.2); short protein forms H906Y, H458Y, H888Y.
Identifiers: ClinVar variation 134643 (VCV000134643.23), dbSNP rs115574135, ClinGen allele CA160407.
Genomic context (GRCh38, chr7:116,769,723, plus strand): 5'-GAAGCAGTTAAAGGTGAAGTGTTAAAAGTTGGAAATAAGAGCTGTGAGAATATACACTTA[C>T]ATTCTGAAGCCGTTTTATGCACGGTCCCCAATGACCTGCTGAAATTGAACAGCGAGCTAA-3'
Protein context (NP_000236.2, residues 878-898): GNKSCENIHL[His888Tyr]SEAVLCTVPN

ClinVar aggregate classification (germline): Benign/Likely benign. Review status: criteria provided, multiple submitters, no conflicts (2 of 4 stars). 8 submissions from 8 submitters: Benign (2); Likely benign (4). 2 of the submissions do not count toward it. Last evaluated 2026-01-28.

Conditions:
MET-related disorder. Also called: MET-related condition.
Renal cell carcinoma. Identifiers: Orphanet 217071, MedGen C0007134, MeSH D002292, MONDO:0005086, HP:0005584.
Hereditary cancer-predisposing syndrome. Also called: Tumor predisposition; Hereditary neoplastic syndrome; Neoplastic Syndromes, Hereditary; Hereditary Cancer Syndrome. Identifiers: Orphanet 140162, MedGen C0027672, MeSH D009386, MONDO:0015356.

Allele frequency attached by ClinVar (database versions not stated): ExAC 0.00046; ESP Exome Variant Server 0.00127; gnomAD 0.00158 and 0.00166; TOPMed 0.00158; 1000 Genomes Project 0.00240; 1000 Genomes Project 30x 0.00250.
gnomAD v4.1: 465 of 1,612,872 alleles (0.029%); highest among the groups gnomAD compares: African/African-American, 0.57%; no homozygotes.

Submissions (8):

Labcorp Genetics (formerly Invitae), Labcorp
Classification: Benign for Renal cell carcinoma. Last evaluated: 2026-01-28. Review status: criteria provided, single submitter. Criteria: Invitae Variant Classification Sherloc (09022015). Collection method: clinical testing. Allele origin: germline.

Blueprint Genetics
Classification: Likely benign. Last evaluated: 2024-08-02. Review status: criteria provided, single submitter. Criteria: ACMG Guidelines, 2015. Collection method: clinical testing. Allele origin: germline.

Sema4
Classification: Likely benign for Hereditary cancer-predisposing syndrome. Last evaluated: 2021-03-05. Review status: criteria provided, single submitter. Criteria: Sema4 Curation Guidelines. Collection method: curation. Allele origin: germline.

Ambry Genetics
Classification: Benign for Hereditary cancer-predisposing syndrome. Last evaluated: 2018-05-30. Review status: criteria provided, single submitter. Criteria: Ambry Variant Classification Scheme 2023. Collection method: clinical testing. Allele origin: germline.

Eurofins Ntd Llc (ga)
Classification: Likely benign. Last evaluated: 2018-03-13. Review status: criteria provided, single submitter. Criteria: EGL ClinVar v180209 classification definitions. Collection method: clinical testing. Allele origin: germline. Observed: 1 variant allele, 1 heterozygote.

GeneDx
Classification: Likely benign. Last evaluated: 2016-06-08. Review status: criteria provided, single submitter. Criteria: GeneDx Variant Classification (06012015). Collection method: clinical testing. Allele origin: germline. Affected: yes.
Comment: This variant is considered likely benign or benign based on one or more of the following criteria: it is a conservative change, it occurs at a poorly conserved position in the protein, it is predicted to be benign by multiple in silico algorithms, and/or has population frequency not consistent with disease.

PreventionGenetics, part of Exact Sciences
Classification: Likely benign for MET-related condition. Last evaluated: 2022-02-01. Review status: no assertion criteria provided. Collection method: clinical testing. Allele origin: germline. Not counted in ClinVar's aggregate classification.
Comment: This variant is classified as likely benign based on ACMG/AMP sequence variant interpretation guidelines (Richards et al. 2015 PMID: 25741868, with internal and published modifications).

ITMI
No classification provided. Condition: AllHighlyPenetrant. Last evaluated: 2013-09-19. Review status: no classification provided. Collection method: reference population. Allele origin: germline. Not counted in ClinVar's aggregate classification.
Comment: Please see associated publication for description of ethnicities

Literature cited by the submitters: PubMed 24728327 (cited by ITMI).